The following is an entry in ClinVar:

ClinVar aggregate classification (germline): Uncertain significance (1 of 4 stars; one submission).

gnomAD v4.1: 1 of 1,609,150 alleles (0.000062%); highest among the groups gnomAD compares: South Asian, 0.0011%; no homozygotes.

Submission:

Dasa
Classification: Uncertain significance. Last evaluated: 2024-11-14. Review status: criteria provided, single submitter. Criteria: DASA Assertion Criteria. Collection method: clinical testing. Allele origin: germline.
Comment: NM_001348716.2(KDM6B):c.1372C>T (p.His458Tyr) is a missense variant that results in the substitution of histidine with tyrosine. This variant is rare in population databases. Computational prediction algorithms are consistent with a benign effect. The currently available literature and clinical evidence are not sufficient to establish a definitive association between this variant and the reported condition. Therefore, this variant is classified as a variant of uncertain significance.

NM_001348716.2(KDM6B):c.1372C>T (p.His458Tyr)

Gene: KDM6B (lysine demethylase 6B; plus strand). Cytogenetic location: 17p13.1.
Variant type: single nucleotide variant.
Coding change: c.1372C>T on transcript NM_001348716.2 (MANE Select); coding-DNA position 1372, C replaced by T.
Protein change: p.His458Tyr; replaces histidine 458 with tyrosine.
Molecular consequence: missense variant.
Genome position (GRCh38, 1-based): chr17:7,847,660, C>T. VCF-style: chr17-7847660-C-T. GRCh37 (hg19) VCF-style: chr17-7750978-C-T.
Other names: c.1372C>T, p.His458Tyr (NM_001080424.2); short protein forms H458Y.
Identifiers: ClinVar variation 4886044 (VCV004886044.2).